The following is an entry in ClinVar:

ClinVar aggregate classification (germline): Uncertain significance (1 of 4 stars; one submission).

Conditions:
Epidermodysplasia verruciformis. Identifiers: Orphanet 302, MedGen C0014522, MONDO:0009176.

Allele frequency attached by ClinVar (database versions not stated): gnomAD exomes below 0.00001.
gnomAD v4.1: 1 of 1,614,090 alleles (0.000062%); highest among the groups gnomAD compares: Non-Finnish European, 0.000085%; no homozygotes.

Submission:

Labcorp Genetics (formerly Invitae), Labcorp
Classification: Uncertain significance for Epidermodysplasia verruciformis. Last evaluated: 2022-07-11. Review status: criteria provided, single submitter. Criteria: Invitae Variant Classification Sherloc (09022015). Collection method: clinical testing. Allele origin: germline.
Comment: This variant is not present in population databases (gnomAD no frequency). This sequence change replaces isoleucine, which is neutral and non-polar, with threonine, which is neutral and polar, at codon 314 of the TMC8 protein (p.Ile314Thr). This variant has not been reported in the literature in individuals affected with TMC8-related conditions. In summary, the available evidence is currently insufficient to determine the role of this variant in disease. Therefore, it has been classified as a Variant of Uncertain Significance. Algorithms developed to predict the effect of missense changes on protein structure and function are either unavailable or do not agree on the potential impact of this missense change (SIFT: "Tolerated"; PolyPhen-2: "Possibly Damaging"; Align-GVGD: "Class C0"). ClinVar contains an entry for this variant (Variation ID: 854796).

NM_152468.5(TMC8):c.941T>C (p.Ile314Thr)

Gene: TMC8 (transmembrane channel like 8; plus strand). Cytogenetic location: 17q25.3.
Variant type: single nucleotide variant.
Coding change: c.941T>C on transcript NM_152468.5 (MANE Select); coding-DNA position 941, T replaced by C.
Protein change: p.Ile314Thr; replaces isoleucine 314 with threonine.
Molecular consequence: missense variant.
Genome position (GRCh38, 1-based): chr17:78,134,518, T>C. VCF-style: chr17-78134518-T-C. GRCh37 (hg19) VCF-style: chr17-76130599-T-C.
Other names: short protein forms I314T.
Identifiers: ClinVar variation 854796 (VCV000854796.10), dbSNP rs2075166863, ClinGen allele CA401245313.